The following is an entry in ClinVar:

NM_002718.5(PPP2R3A):c.3330-12_3330-8del

Gene: PPP2R3A (protein phosphatase 2 regulatory subunit B''alpha; plus strand). Cytogenetic location: 3q22.3.
Variant type: Deletion.
Coding change: c.3330-12_3330-8del on transcript NM_002718.5 (MANE Select); 12 bases into the intron before coding-DNA position 3330 through 8 bases into the intron before coding-DNA position 3330, 5 bases deleted (TTGTT; older notation c.3330-12_3330-8delTTGTT).
Molecular consequence: intron variant.
Genome position (GRCh38, 1-based): chr3:136,145,031-136,145,035, TTGTT deleted; deleting any 5 consecutive bases within chr3:136,145,030-136,145,035 gives the same sequence; the c. name uses the placement nearest the transcript's 3' end. VCF-style (leftmost placement, unchanged base first): chr3-136145029-CTTTGT-C. GRCh37 (hg19) VCF-style: chr3-135863871-CTTTGT-C.
Other names: c.1122-12_1122-8del (NM_001190447.2); c.1467-12_1467-8del (NM_181897.3).
Identifiers: ClinVar variation 3044422 (VCV003044422.2), dbSNP rs572110227, ClinGen allele CA2631169.

ClinVar aggregate classification (germline): Likely benign (0 of 4 stars; one submission).

Conditions:
PPP2R3A-related disorder. Also called: PPP2R3A-related condition.

Submission:

PreventionGenetics, part of Exact Sciences
Classification: Likely benign for PPP2R3A-related condition. Last evaluated: 2019-07-10. Review status: no assertion criteria provided. Collection method: clinical testing. Allele origin: germline.
Comment: This variant is classified as likely benign based on ACMG/AMP sequence variant interpretation guidelines (Richards et al. 2015 PMID: 25741868, with internal and published modifications).